The following is an entry in ClinVar:

NM_001009944.3(PKD1):c.11253G>T (p.Gln3751His)

Genes: PKD1 (polycystin 1, transient receptor potential channel interacting; minus strand), PKD1-AS1 (PKD1 antisense RNA 1; plus strand). Cytogenetic location: 16p13.3.
Variant type: single nucleotide variant.
Coding change: c.11253G>T on transcript NM_001009944.3 (MANE Select); coding-DNA position 11253, G replaced by T.
Protein change: p.Gln3751His; replaces glutamine 3751 with histidine.
Molecular consequence: missense variant.
Genome position (GRCh38, 1-based): chr16:2,092,496, C>A on the plus strand (G>T on the coding strand, the complement: PKD1 is on the minus strand). VCF-style: chr16-2092496-C-A. GRCh37 (hg19) VCF-style: chr16-2142497-C-A.
Other names: c.11250G>T, p.Gln3750His (NM_000296.4); short protein forms Q3750H, Q3751H.
Identifiers: ClinVar variation 3235235 (VCV003235235.1), dbSNP rs2544631346.

ClinVar aggregate classification (germline): Likely pathogenic (1 of 4 stars; one submission).

Conditions:
Polycystic kidney disease, adult type (PKD1). Also called: Polycystic Kidney Disease 1, Autosomal Dominant; Polycystic kidney disease 1; Polycystic kidney disease 1, severe; Polycystic Kidney, Autosomal Dominant; POLYCYSTIC KIDNEY DISEASE 1 WITH OR WITHOUT POLYCYSTIC LIVER DISEASE; POLYCYSTIC KIDNEY DISEASE, ADULT, TYPE I. Identifiers: MedGen C3149841, MONDO:0008263, OMIM 173900.

Submission:

MVZ Medizinische Genetik Mainz
Classification: Likely pathogenic for Polycystic kidney disease, adult type. Last evaluated: 2022-09-21. Review status: criteria provided, single submitter. Criteria: UK Practice Guidelines For Variant Classification V4 01 2020. Collection method: clinical testing. Allele origin: germline. Inheritance: Autosomal dominant inheritance. Affected: yes. Observed: 1 variant allele.
Comment: ACMG Criteria: PM5, PM6, PM2_SUP, PP3, PP4